The following is an entry in ClinVar:

NM_022081.6(HPS4):c.1897G>A (p.Val633Ile)

Gene: HPS4 (HPS4 biogenesis of lysosomal organelles complex 3 subunit 2; minus strand). Cytogenetic location: 22q12.1.
Variant type: single nucleotide variant.
Coding change: c.1897G>A on transcript NM_022081.6 (MANE Select); coding-DNA position 1897, G replaced by A.
Protein change: p.Val633Ile; replaces valine 633 with isoleucine.
Molecular consequence: missense variant. On other transcripts: non-coding transcript variant (8), intron variant (2).
Genome position (GRCh38, 1-based): chr22:26,457,917, C>T on the plus strand (G>A on the coding strand, the complement: HPS4 is on the minus strand). VCF-style: chr22-26457917-C-T. GRCh37 (hg19) VCF-style: chr22-26853883-C-T.
Other names: p.Val633Ile; c.1897G>A, p.Val633Ile (NM_001349896.1, NM_001349898.2, NM_001349899.2 and 2 more transcripts); c.1951G>A, p.Val651Ile (NM_001349900.2, NM_001349901.1); c.1882G>A, p.Val628Ile (NM_152841.2); c.1714-4513G>A (NM_001349902.1, NM_001349903.2); short protein forms V628I, V651I, V633I.
Identifiers: ClinVar variation 903473 (VCV000903473.10), dbSNP rs202222123, ClinGen allele CA10163161.

ClinVar aggregate classification (germline): Uncertain significance. Review status: criteria provided, multiple submitters, no conflicts (2 of 4 stars). 4 submissions from 4 submitters: Uncertain significance (4). Last evaluated 2025-01-13.

Conditions:
Hermansky-Pudlak syndrome 4 (HPS4). Identifiers: Orphanet 231500, Orphanet 79430, MedGen C3484357, MONDO:0013556, OMIM 614073.

Allele frequency attached by ClinVar (database versions not stated): ExAC 0.00001; gnomAD exomes 0.00001; gnomAD 0.00004; TOPMed 0.00004; ESP Exome Variant Server 0.00008.

Submissions (4):

Women's Health and Genetics/Laboratory Corporation of America, LabCorp
Classification: Uncertain significance. Last evaluated: 2025-01-13. Review status: criteria provided, single submitter. Criteria: LabCorp Variant Classification Summary - May 2015. Collection method: clinical testing. Allele origin: germline.
Comment: Variant summary: HPS4 c.1897G>A (p.Val633Ile) results in a conservative amino acid change located in the Intu longin-like domain 3 (IPR043989) of the encoded protein sequence. Five of five in-silico tools predict a benign effect of the variant on protein function. The variant allele was found at a frequency of 2.8e-05 in 251168 control chromosomes (gnomAD). The available data on variant occurrences in the general population are insufficient to allow any conclusion about variant significance. To our knowledge, no occurrence of c.1897G>A in individuals affected with Hermansky-Pudlak Syndrome and no experimental evidence demonstrating its impact on protein function have been reported. ClinVar contains an entry for this variant (Variation ID: 903473). Based on the evidence outlined above, the variant was classified as uncertain significance.

Mayo Clinic Laboratories, Mayo Clinic
Classification: Uncertain significance. Last evaluated: 2024-01-11. Review status: criteria provided, single submitter. Criteria: ACMG Guidelines, 2015. Collection method: clinical testing. Allele origin: germline. Observed: 1 variant allele.
Comment: BP4

Genetic Services Laboratory, University of Chicago
Classification: Uncertain significance. Last evaluated: 2020-01-14. Review status: criteria provided, single submitter. Criteria: ACMG Guidelines, 2015. Collection method: clinical testing. Allele origin: germline. Affected: no.
Comment: DNA sequence analysis of the HPS4 gene demonstrated a sequence change, c.1897G>A, in exon 13 results in an amino acid change, p.Val633Ile. This sequence change does not appear to have been previously described in patients with HPS4-related disorders and has been described in the gnomAD database with an overall frequency of 0.003% (dbSNP rs202222123). The p.Val633Ile change affects a poorly conserved amino acid residue located in a domain of the HPS4 protein that is not known to be functional.In-silico pathogenicity prediction tools (SIFT, PolyPhen2, Align GVGD, REVEL) provide contradictory results for the p.Val633Ile substitution. Due to these contrasting evidences and the lack of functional studies, the clinical significance of the p.Val633Ile change remains unknown at this time.

Illumina Laboratory Services, Illumina
Classification: Uncertain significance for Hermansky-Pudlak syndrome 4. Last evaluated: 2018-01-12. Review status: criteria provided, single submitter. Criteria: ICSL Variant Classification Criteria 13 December 2019. Collection method: clinical testing. Allele origin: germline.